The following is an entry in ClinVar:

NM_000132.4(F8):c.335C>T (p.Ser112Phe)

Gene: F8 (coagulation factor VIII; minus strand). Cytogenetic location: Xq28.
Variant type: single nucleotide variant.
Coding change: c.335C>T on transcript NM_000132.4 (MANE Select); coding-DNA position 335, C replaced by T.
Protein change: p.Ser112Phe; replaces serine 112 with phenylalanine.
Molecular consequence: missense variant.
Genome position (GRCh38, 1-based): chrX:154,997,026, G>A on the plus strand (C>T on the coding strand, the complement: F8 is on the minus strand). VCF-style: chrX-154997026-G-A. GRCh37 (hg19) VCF-style: chrX-154225301-G-A.
Other names: p.Ser112Phe; c.335C>T (NM_000132.3); short protein forms S112F.
Identifiers: ClinVar variation 1803284 (VCV001803284.5), dbSNP rs2073620915, ClinGen allele CA414919982.

ClinVar aggregate classification (germline): Pathogenic/Likely pathogenic. Review status: criteria provided, multiple submitters, no conflicts (2 of 4 stars). 4 submissions from 4 submitters: Pathogenic (1); Likely pathogenic (3). Last evaluated 2026-04-15.

Conditions:
Hereditary factor VIII deficiency disease (HEMA). Also called: Hemophilia A; Hemophilia A, congenital; HEM A; Factor 8 deficiency, congenital; AUTOSOMAL HEMOPHILIA A; HEMOPHILIA, CLASSIC. Identifiers: Orphanet 98878, MedGen C0019069, MONDO:0010602, OMIM 306700.

Allele frequency attached by ClinVar (database versions not stated): TOPMed 0.00002.

Submissions (4):

Women's Health and Genetics/Laboratory Corporation of America, LabCorp
Classification: Pathogenic for Hereditary factor VIII deficiency disease. Last evaluated: 2026-04-15. Review status: criteria provided, single submitter. Criteria: LabCorp Variant Classification Summary - May 2015. Collection method: clinical testing. Allele origin: germline.
Comment: Variant summary: F8 c.335C>T (p.Ser112Phe) results in a non-conservative amino acid change in the encoded protein sequence. Algorithms developed to predict the effect of missense changes on protein structure and function are either unavailable or do not agree on the potential impact of this missense change. The variant was absent in 183423 control chromosomes. c.335C>T has been observed in multiple individuals affected with Factor VIII Deficiency (Hemophilia A) (e.g. Guillet_2006, Oldenburg_2001, Johnsen_2017, Guillet_2024). These data indicate that the variant is very likely to be associated with disease. To our knowledge, no experimental evidence demonstrating an impact on protein function has been reported. The following publications have been ascertained in the context of this evaluation (PMID: 16786531, 38759975, 29296726, 11179760). ClinVar contains an entry for this variant (Variation ID: 1803284). Based on the evidence outlined above, the variant was classified as pathogenic.

Mayo Clinic Laboratories, Mayo Clinic
Classification: Likely pathogenic. Last evaluated: 2024-09-16. Review status: criteria provided, single submitter. Criteria: ACMG Guidelines, 2015. Collection method: clinical testing. Allele origin: germline. Observed: 1 variant allele.
Comment: PP3, PM1, PM2, PS4_moderate

ARUP Laboratories, Molecular Genetics and Genomics, ARUP Laboratories
Classification: Likely pathogenic. Last evaluated: 2023-01-27. Review status: criteria provided, single submitter. Criteria: ARUP Molecular Germline Variant Investigation Process 2024. Collection method: clinical testing. Allele origin: germline.
Comment: The F8 c.335C>T; p.Ser112Phe variant (rs2073620915) is reported in the literature in multiple individuals affected with mild hemophilia A (See F8 database and reference therein). This variant is absent from the Genome Aggregation Database, indicating it is not a common polymorphism. Computational analyses predict that this variant is deleterious (REVEL: 0.883). Based on available information, this variant is considered to be likely pathogenic. References: Link to F8 database

Genetics and Molecular Pathology, SA Pathology
Classification: Likely pathogenic for Hereditary factor VIII deficiency disease. Last evaluated: 2022-05-30. Review status: criteria provided, single submitter. Criteria: ACMG Guidelines, 2015. Collection method: clinical testing. Allele origin: germline. Inheritance: X-linked recessive inheritance. Affected: yes.

Literature cited by the submitters: PubMed 11179760 (cited by Women's Health and Genetics/Laboratory Corporation of America, LabCorp); PubMed 29296726 (cited by Women's Health and Genetics/Laboratory Corporation of America, LabCorp and Mayo Clinic Laboratories, Mayo Clinic); PubMed 16786531 (cited by Women's Health and Genetics/Laboratory Corporation of America, LabCorp and Mayo Clinic Laboratories, Mayo Clinic); PubMed 38759975 (cited by Women's Health and Genetics/Laboratory Corporation of America, LabCorp and Mayo Clinic Laboratories, Mayo Clinic).